The following is an entry in ClinVar:

ClinVar aggregate classification (germline): Uncertain significance (1 of 4 stars; one submission).

Allele frequency attached by ClinVar (database versions not stated): gnomAD exomes below 0.00001.
gnomAD v4.1: 1 of 1,612,002 alleles (0.000062%); highest among the groups gnomAD compares: Admixed American, 0.0017%; no homozygotes.

Submission:

Labcorp Genetics (formerly Invitae), Labcorp
Classification: Uncertain significance. Last evaluated: 2022-06-05. Review status: criteria provided, single submitter. Criteria: Invitae Variant Classification Sherloc (09022015). Collection method: clinical testing. Allele origin: germline.
Comment: ClinVar contains an entry for this variant (Variation ID: 1467423). In summary, the available evidence is currently insufficient to determine the role of this variant in disease. Therefore, it has been classified as a Variant of Uncertain Significance. Algorithms developed to predict the effect of missense changes on protein structure and function are either unavailable or do not agree on the potential impact of this missense change (SIFT: "Deleterious"; PolyPhen-2: "Possibly Damaging"; Align-GVGD: "Class C0"). This variant has not been reported in the literature in individuals affected with ARL3-related conditions. This variant is present in population databases (rs760669680, gnomAD 0.003%). This sequence change replaces leucine, which is neutral and non-polar, with phenylalanine, which is neutral and non-polar, at codon 22 of the ARL3 protein (p.Leu22Phe).

NM_004311.4(ARL3):c.64C>T (p.Leu22Phe)

Gene: ARL3 (ARF like GTPase 3; minus strand). Cytogenetic location: 10q24.32.
Variant type: single nucleotide variant.
Coding change: c.64C>T on transcript NM_004311.4 (MANE Select); coding-DNA position 64, C replaced by T.
Protein change: p.Leu22Phe; replaces leucine 22 with phenylalanine.
Molecular consequence: missense variant.
Genome position (GRCh38, 1-based): chr10:102,705,429, G>A on the plus strand (C>T on the coding strand, the complement: ARL3 is on the minus strand). VCF-style: chr10-102705429-G-A. GRCh37 (hg19) VCF-style: chr10-104465186-G-A.
Other names: short protein forms L22F.
Identifiers: ClinVar variation 1467423 (VCV001467423.6), dbSNP rs760669680, ClinGen allele CA212266229.